The following is an entry in ClinVar:

ClinVar aggregate classification (germline): Pathogenic (1 of 4 stars; one submission).

Conditions:
Familial adenomatous polyposis 1 (FAP1). Also called: FAMILIAL ADENOMATOUS POLYPOSIS 1, ATTENUATED; POLYPOSIS, ADENOMATOUS INTESTINAL. Identifiers: MedGen C2713442, MONDO:0021056, OMIM 175100. Disease mechanism: loss of function.

Submission:

Myriad Genetics, Inc.
Classification: Pathogenic for Familial adenomatous polyposis 1. Last evaluated: 2023-05-10. Review status: criteria provided, single submitter. Criteria: Myriad Autosomal Dominant, Autosomal Recessive and X-Linked Classification Criteria (2023). Collection method: clinical testing. Allele origin: unknown.
Comment: This variant is considered pathogenic. This variant creates a frameshift predicted to result in premature protein truncation.

NM_000038.6(APC):c.4391del (p.Glu1464fs)

Gene: APC (APC regulator of Wnt signaling pathway; plus strand). Cytogenetic location: 5q22.2.
Variant type: Deletion.
Coding change: c.4391del on transcript NM_000038.6 (MANE Select); coding-DNA position 4391, one base deleted (A; older notation c.4391delA).
Protein change: p.Glu1464fs; shifts the reading frame from glutamic acid 1464.
Molecular consequence: frameshift variant. On other transcripts: non-coding transcript variant (2).
Genome position (GRCh38, 1-based): chr5:112,839,985, A deleted. VCF-style (leftmost placement, unchanged base first): chr5-112839984-GA-G. GRCh37 (hg19) VCF-style: chr5-112175681-GA-G.
Other names: c.4391del, p.Glu1464fs (NM_001127510.3, NM_001354895.2, NM_001407450.1); c.4337del, p.Glu1446fs (NM_001127511.3); c.4445del, p.Glu1482fs (NM_001354896.2, NM_001407447.1, NM_001407448.1 and 1 more transcripts); c.4421del, p.Glu1474fs (NM_001354897.2); c.4316del, p.Glu1439fs (NM_001354898.2); c.4307del, p.Glu1436fs (NM_001354899.2); c.4268del, p.Glu1423fs (NM_001354900.2); c.4214del, p.Glu1405fs (NM_001354901.2, NM_001407453.1); and 11 more; short protein forms E1080fs, E1181fs, E1304fs, E1335fs, E1338fs, E1363fs, E1373fs, E1381fs.
Identifiers: ClinVar variation 2583781 (VCV002583781.1), dbSNP rs2533571579, ClinGen allele CA2582341293.